The following is an entry in ClinVar:

ClinVar aggregate classification (germline): Uncertain significance (1 of 4 stars; one submission).

Conditions:
Gorlin syndrome. Also called: Nevoid Basal Cell Carcinoma Syndrome; Basal cell nevus syndrome. Identifiers: Orphanet 377, MedGen C0004779, MONDO:0007187.
Medulloblastoma (MDB). Also called: MEDULLOBLASTOMA PREDISPOSITION SYNDROME; Medulloblastoma, somatic. Identifiers: Orphanet 616, MedGen C0025149, MeSH D008527, MONDO:0007959, OMIM 155255, HP:0002885.

Submission:

Labcorp Genetics (formerly Invitae), Labcorp
Classification: Uncertain significance for Gorlin syndrome; Medulloblastoma. Last evaluated: 2025-09-24. Review status: criteria provided, single submitter. Criteria: Invitae Variant Classification Sherloc (09022015). Collection method: clinical testing. Allele origin: germline.
Comment: This sequence change replaces serine, which is neutral and polar, with phenylalanine, which is neutral and non-polar, at codon 162 of the SUFU protein (p.Ser162Phe). This variant is not present in population databases (gnomAD no frequency). This variant has not been reported in the literature in individuals affected with SUFU-related conditions. Invitae Evidence Modeling of protein sequence and biophysical properties (such as structural, functional, and spatial information, amino acid conservation, physicochemical variation, residue mobility, and thermodynamic stability) has been performed for this missense variant. However, the output from this modeling did not meet the statistical confidence thresholds required to predict the impact of this variant on SUFU protein function. In summary, the available evidence is currently insufficient to determine the role of this variant in disease. Therefore, it has been classified as a Variant of Uncertain Significance.

NM_016169.4(SUFU):c.485C>T (p.Ser162Phe)

Gene: SUFU (SUFU negative regulator of hedgehog signaling; plus strand). Cytogenetic location: 10q24.32.
Variant type: single nucleotide variant.
Coding change: c.485C>T on transcript NM_016169.4 (MANE Select); coding-DNA position 485, C replaced by T.
Protein change: p.Ser162Phe; replaces serine 162 with phenylalanine.
Molecular consequence: missense variant.
Genome position (GRCh38, 1-based): chr10:102,592,612, C>T. VCF-style: chr10-102592612-C-T. GRCh37 (hg19) VCF-style: chr10-104352369-C-T.
Other names: c.485C>T, p.Ser162Phe (NM_001178133.2); short protein forms S162F.
Identifiers: ClinVar variation 4782578 (VCV004782578.1).